The following is an entry in ClinVar:

NM_005909.5(MAP1B):c.1520A>G (p.His507Arg)

Gene: MAP1B (microtubule associated protein 1B; plus strand). Cytogenetic location: 5q13.2.
Variant type: single nucleotide variant.
Coding change: c.1520A>G on transcript NM_005909.5 (MANE Select); coding-DNA position 1520, A replaced by G.
Protein change: p.His507Arg; replaces histidine 507 with arginine.
Molecular consequence: missense variant.
Genome position (GRCh38, 1-based): chr5:72,194,875, A>G. VCF-style: chr5-72194875-A-G. GRCh37 (hg19) VCF-style: chr5-71490702-A-G.
Other names: c.1142A>G, p.His381Arg (NM_001324255.2); short protein forms H381R, H507R.
Identifiers: ClinVar variation 4282278 (VCV004282278.1).

ClinVar aggregate classification (germline): Uncertain significance (1 of 4 stars; one submission).

gnomAD v4.1: 2 of 1,614,168 alleles (0.00012%); highest among the groups gnomAD compares: South Asian, 0.0022%; no homozygotes.

Submission:

GeneDx
Classification: Uncertain significance. Last evaluated: 2025-04-16. Review status: criteria provided, single submitter. Criteria: GeneDx Variant Classification Process June 2021. Collection method: clinical testing. Allele origin: germline. Affected: yes.
Comment: Not observed at significant frequency in large population cohorts (gnomAD); In silico analysis supports that this missense variant has a deleterious effect on protein structure/function; Has not been previously published as pathogenic or benign to our knowledge